The following is an entry in ClinVar:

ClinVar aggregate classification (germline): Conflicting classifications of pathogenicity. Review status: criteria provided, conflicting classifications (1 of 4 stars). 6 submissions from 6 submitters: Uncertain significance (1); Likely benign (4). 1 of the submissions does not count toward it. Last evaluated 2026-03-01.

Conditions:
Epidermolysis bullosa simplex, Ogna type (EBS5A). Also called: Pidermolysis bullosa simplex 5A, Ogna type; EPIDERMOLYSIS BULLOSA SIMPLEX 5A, OGNA TYPE. Identifiers: Orphanet 79401, MedGen C0432317, MONDO:0007555, OMIM 131950.
Epidermolysis bullosa simplex with nail dystrophy (EBS5D). Identifiers: MedGen C4225309, MONDO:0014661, OMIM 616487.
Autosomal recessive limb-girdle muscular dystrophy type 2Q (LGMDR17). Also called: MUSCULAR DYSTROPHY, LIMB-GIRDLE, AUTOSOMAL RECESSIVE 17. Identifiers: Orphanet 254361, MedGen C3150989, MONDO:0013390, OMIM 613723.
Epidermolysis bullosa simplex 5C, with pyloric atresia (EBS5C). Also called: Epidermolysis bullosa simplex with pyloric atresia; PLEC1-Related Epidermolysis Bullosa with Pyloric Atresia; PLEC-Related Epidermolysis Bullosa with Pyloric Atresia. Identifiers: Orphanet 158684, MedGen C2677349, MONDO:0012807, OMIM 612138.
Epidermolysis bullosa simplex 5B, with muscular dystrophy (EBS5B). Also called: Epidermolysis bullosa simplex with muscular dystrophy; EPIDERMOLYSIS BULLOSA SIMPLEX AND LIMB-GIRDLE MUSCULAR DYSTROPHY. Identifiers: Orphanet 257, MedGen C2931072, MONDO:0009181, OMIM 226670.
PLEC-related disorder. Also called: PLEC-related disorders; PLEC-related condition.

Allele frequency attached by ClinVar (database versions not stated): ExAC 0.00015; ESP Exome Variant Server 0.00016; TOPMed 0.00017; gnomAD 0.00020 and 0.00021.
gnomAD v4.1: 407 of 1,599,554 alleles (0.025%); highest among the groups gnomAD compares: Non-Finnish European, 0.031%; 1 homozygote.

Submissions (6):

CeGaT Center for Human Genetics Tuebingen
Classification: Likely benign. Last evaluated: 2026-03-01. Review status: criteria provided, single submitter. Criteria: CeGaT Center For Human Genetics Tuebingen Variant Classification Criteria Version 2. Collection method: clinical testing. Allele origin: germline. Affected: yes. Observed: 2 variant alleles.
Comment: PLEC: BP4, BP7

Labcorp Genetics (formerly Invitae), Labcorp
Classification: Likely benign for Autosomal recessive limb-girdle muscular dystrophy type 2Q; Epidermolysis bullosa simplex, Ogna type; Epidermolysis bullosa simplex with nail dystrophy; Epidermolysis bullosa simplex 5C, with pyloric atresia; Epidermolysis bullosa simplex 5B, with muscular dystrophy. Last evaluated: 2025-12-27. Review status: criteria provided, single submitter. Criteria: Invitae Variant Classification Sherloc (09022015). Collection method: clinical testing. Allele origin: germline.

Blueprint Genetics
Classification: Likely benign. Last evaluated: 2024-09-06. Review status: criteria provided, single submitter. Criteria: ACMG Guidelines, 2015. Collection method: clinical testing. Allele origin: germline.

GeneDx
Classification: Likely benign. Last evaluated: 2017-08-03. Review status: criteria provided, single submitter. Criteria: GeneDx Variant Classification (06012015). Collection method: clinical testing. Allele origin: germline. Affected: yes.
Comment: This variant is considered likely benign or benign based on one or more of the following criteria: it is a conservative change, it occurs at a poorly conserved position in the protein, it is predicted to be benign by multiple in silico algorithms, and/or has population frequency not consistent with disease.

Eurofins Ntd Llc (ga)
Classification: Uncertain significance. Last evaluated: 2017-06-21. Review status: criteria provided, single submitter. Criteria: EGL Classification Definitions 2015. Collection method: clinical testing. Allele origin: germline. Observed: 2 variant alleles, 2 heterozygotes.

PreventionGenetics, part of Exact Sciences
Classification: Likely benign for PLEC-related condition. Last evaluated: 2019-08-14. Review status: no assertion criteria provided. Collection method: clinical testing. Allele origin: germline. Not counted in ClinVar's aggregate classification.
Comment: This variant is classified as likely benign based on ACMG/AMP sequence variant interpretation guidelines (Richards et al. 2015 PMID: 25741868, with internal and published modifications).

NM_201384.3(PLEC):c.2785C>T (p.Leu929=)

Gene: PLEC (plectin; minus strand). Cytogenetic location: 8q24.3.
Variant type: single nucleotide variant.
Coding change: c.2785C>T on transcript NM_201384.3 (MANE Select); coding-DNA position 2785, C replaced by T.
Protein change: p.Leu929=; no amino-acid change (leucine 929 retained).
Molecular consequence: synonymous variant.
Genome position (GRCh38, 1-based): chr8:143,929,784, G>A on the plus strand (C>T on the coding strand, the complement: PLEC is on the minus strand). VCF-style: chr8-143929784-G-A. GRCh37 (hg19) VCF-style: chr8-145003952-G-A.
Other names: c.2866C>T, p.Leu956= (NM_000445.5); c.2743C>T, p.Leu915= (NM_201378.4); c.2719C>T, p.Leu907= (NM_201379.3); c.3196C>T, p.Leu1066= (NM_201380.4); c.2689C>T, p.Leu897= (NM_201381.3); c.2785C>T, p.Leu929= (NM_201382.4); c.2797C>T, p.Leu933= (NM_201383.3).
Identifiers: ClinVar variation 283101 (VCV000283101.31), dbSNP rs369676162, ClinGen allele CA4927343.
Genomic context (GRCh38, chr8:143,929,784, plus strand): 5'-CGGGTCCGAAGCCGCCCGCGTCCTGGCTGTCCCGCAGGAAGGCCTGGTAGTGCAGCTCCA[G>A]GCTGTGCAGGGCTTGGCGCTGCTCCTCTGGCTTCAGGGTGCGGAACTGGGGGAAGCACGT-3'
Protein context (NP_958786.1, residues 919-939): PEEQRQALHS[Leu929=]ELHYQAFLRD